The following is an entry in ClinVar:

NM_001258392.3(CLPB):c.1844G>T (p.Gly615Val)

Gene: CLPB (ClpB family mitochondrial disaggregase; minus strand). Cytogenetic location: 11q13.4.
Variant type: single nucleotide variant.
Coding change: c.1844G>T on transcript NM_001258392.3 (MANE Select); coding-DNA position 1844, G replaced by T.
Protein change: p.Gly615Val; replaces glycine 615 with valine.
Molecular consequence: missense variant.
Genome position (GRCh38, 1-based): chr11:72,293,557, C>A on the plus strand (G>T on the coding strand, the complement: CLPB is on the minus strand). VCF-style: chr11-72293557-C-A. GRCh37 (hg19) VCF-style: chr11-72004601-C-A.
Other names: c.1757G>T, p.Gly586Val (NM_001258393.3); c.1799G>T, p.Gly600Val (NM_001258394.3); c.1934G>T, p.Gly645Val (NM_030813.6); short protein forms G586V, G615V, G600V, G645V.
Identifiers: ClinVar variation 966819 (VCV000966819.10), dbSNP rs1247332355, ClinGen allele CA381724634.
Genomic context (GRCh38, chr11:72,293,557, plus strand): 5'-TCTGGGCTTTTGAGTAGCTGCTTGTCTGAGTCCTCCACCGTGATGCGCAAAGTACAGCCC[C>A]CTGGCAGCAGGTCCTGCTCATAGGCTGCTGCCAGCTGGTTCACCACACGGCGTTCTACCT-3'
Protein context (NP_001245321.1, residues 605-625): AAAYEQDLLP[Gly615Val]GCTLRITVED

ClinVar aggregate classification (germline): Uncertain significance (1 of 4 stars; one submission).

Conditions:
3-methylglutaconic aciduria, type VIIB (MGCA7B). Also called: CLPB Deficiency; 3-methylglutaconic aciduria, type VII, with cataracts, neurologic involvement and neutropenia; 3-methylglutaconic aciduria with cataracts, neurologic involvement and neutropenia. Identifiers: Orphanet 445038, MedGen C5676893, MONDO:0014561, OMIM 616271.

Allele frequency attached by ClinVar (database versions not stated): TOPMed below 0.00001; gnomAD 0.00001; gnomAD exomes 0.00001.
gnomAD v4.1: 15 of 1,613,914 alleles (0.00093%); highest among the groups gnomAD compares: Non-Finnish European, 0.0013%; no homozygotes.

Submission:

Labcorp Genetics (formerly Invitae), Labcorp
Classification: Uncertain significance for 3-methylglutaconic aciduria, type VIIB. Last evaluated: 2026-01-26. Review status: criteria provided, single submitter. Criteria: Invitae Variant Classification Sherloc (09022015). Collection method: clinical testing. Allele origin: germline.
Comment: This sequence change replaces glycine, which is neutral and non-polar, with valine, which is neutral and non-polar, at codon 645 of the CLPB protein (p.Gly645Val). This variant is not present in population databases (gnomAD no frequency). This variant has not been reported in the literature in individuals affected with CLPB-related conditions. ClinVar contains an entry for this variant (Variation ID: 966819). An algorithm developed to predict the effect of missense changes on protein structure and function (PolyPhen-2) suggests that this variant is likely to be tolerated. In summary, the available evidence is currently insufficient to determine the role of this variant in disease. Therefore, it has been classified as a Variant of Uncertain Significance.